The following is an entry in ClinVar:

NM_022167.4(XYLT2):c.2255G>A (p.Arg752His)

Gene: XYLT2 (xylosyltransferase 2; plus strand). Cytogenetic location: 17q21.33.
Variant type: single nucleotide variant.
Coding change: c.2255G>A on transcript NM_022167.4 (MANE Select); coding-DNA position 2255, G replaced by A.
Protein change: p.Arg752His; replaces arginine 752 with histidine.
Molecular consequence: missense variant.
Genome position (GRCh38, 1-based): chr17:50,358,520, G>A. VCF-style: chr17-50358520-G-A. GRCh37 (hg19) VCF-style: chr17-48435881-G-A.
Other names: short protein forms R752H.
Identifiers: ClinVar variation 1515632 (VCV001515632.7), dbSNP rs775076771, ClinGen allele CA8646692.
Genomic context (GRCh38, chr17:50,358,520, plus strand): 5'-TTCAGTTCTGGGAACCGCTGGGTGAGACCCGCTTCCTTGTGCTGCCCTTGACCTTCAACC[G>A]CAAACTACCTCTCAGGAAAGGTAAGCGTGCAGTTCTCAAATGAGGCCCAGAAGCCAGACA-3'
Protein context (NP_071450.2, residues 742-762): RFLVLPLTFN[Arg752His]KLPLRKDDAS

ClinVar aggregate classification (germline): Uncertain significance. Review status: criteria provided, multiple submitters, no conflicts (2 of 4 stars). 2 submissions from 2 submitters: Uncertain significance (2). Last evaluated 2024-05-20.

Conditions:
Inborn genetic diseases. Identifiers: MedGen C0950123, MeSH D030342.

Allele frequency attached by ClinVar (database versions not stated): gnomAD 0.00001; TOPMed 0.00001; gnomAD exomes 0.00002; ExAC 0.00003.

Submissions (2):

Ambry Genetics
Classification: Uncertain significance for Inborn genetic diseases. Last evaluated: 2024-05-20. Review status: criteria provided, single submitter. Criteria: Ambry Variant Classification Scheme 2023. Collection method: clinical testing. Allele origin: germline.

Labcorp Genetics (formerly Invitae), Labcorp
Classification: Uncertain significance. Last evaluated: 2022-07-25. Review status: criteria provided, single submitter. Criteria: Invitae Variant Classification Sherloc (09022015). Collection method: clinical testing. Allele origin: germline.
Comment: In summary, the available evidence is currently insufficient to determine the role of this variant in disease. Therefore, it has been classified as a Variant of Uncertain Significance. Algorithms developed to predict the effect of missense changes on protein structure and function output the following: SIFT: "Tolerated"; PolyPhen-2: "Benign"; Align-GVGD: "Class C0". The histidine amino acid residue is found in multiple mammalian species, which suggests that this missense change does not adversely affect protein function. ClinVar contains an entry for this variant (Variation ID: 1515632). This variant has not been reported in the literature in individuals affected with XYLT2-related conditions. This variant is present in population databases (rs775076771, gnomAD 0.007%). This sequence change replaces arginine, which is basic and polar, with histidine, which is basic and polar, at codon 752 of the XYLT2 protein (p.Arg752His).